The following is an entry in ClinVar:

NM_021267.5(CERS1):c.989G>T (p.Ser330Ile)

Genes: GDF1 (growth differentiation factor 1; minus strand), CERS1 (ceramide synthase 1; minus strand). Cytogenetic location: 19p13.11.
Variant type: single nucleotide variant.
Coding change: c.989G>T on transcript NM_021267.5 (MANE Select); coding-DNA position 989, G replaced by T.
Protein change: p.Ser330Ile; replaces serine 330 with isoleucine.
Molecular consequence: missense variant. On other transcripts: 5 prime UTR variant (1), intron variant (1).
Genome position (GRCh38, 1-based): chr19:18,878,951, C>A on the plus strand (G>T on the coding strand, the complement: CERS1 is on the minus strand). VCF-style: chr19-18878951-C-A. GRCh37 (hg19) VCF-style: chr19-18989760-C-A.
Other names: c.695G>T, p.Ser232Ile (NM_001290265.2, NM_001387442.1, NM_001387443.1 and 2 more transcripts); c.989G>T, p.Ser330Ile (NM_001387439.1, NM_001387440.1, NM_198207.3); c.944G>T, p.Ser315Ile (NM_001387441.1); c.-334G>T (NM_001492.6); c.-313+5136G>T (NM_001387438.1); c.989G>T (NM_021267.3); short protein forms S232I, S330I, S315I.
Identifiers: ClinVar variation 642064 (VCV000642064.7), dbSNP rs376643753, ClinGen allele CA9318072.

ClinVar aggregate classification (germline): Uncertain significance. Review status: criteria provided, multiple submitters, no conflicts (2 of 4 stars). 2 submissions from 2 submitters: Uncertain significance (2). Last evaluated 2024-12-28.

Conditions:
Progressive myoclonic epilepsy type 8. Identifiers: Orphanet 424027, MedGen C5190825, MONDO:0014545, OMIM 616230.

Allele frequency attached by ClinVar (database versions not stated): gnomAD exomes 0.00002; ExAC 0.00003; TOPMed 0.00003; gnomAD 0.00004; ESP Exome Variant Server 0.00016.
gnomAD v4.1: 38 of 1,613,644 alleles (0.0024%); highest among the groups gnomAD compares: Non-Finnish European, 0.003%; no homozygotes.

Submissions (2):

Ambry Genetics
Classification: Uncertain significance. Last evaluated: 2024-12-28. Review status: criteria provided, single submitter. Criteria: Ambry Variant Classification Scheme 2023. Collection method: clinical testing. Allele origin: germline.

Labcorp Genetics (formerly Invitae), Labcorp
Classification: Uncertain significance for Progressive myoclonic epilepsy type 8. Last evaluated: 2021-08-24. Review status: criteria provided, single submitter. Criteria: Invitae Variant Classification Sherloc (09022015). Collection method: clinical testing. Allele origin: germline.
Comment: This sequence change replaces serine with isoleucine at codon 330 of the CERS1 protein (p.Ser330Ile). The serine residue is weakly conserved and there is a large physicochemical difference between serine and isoleucine. This variant is present in population databases (rs376643753, ExAC 0.005%). This variant has not been reported in the literature in individuals affected with CERS1-related conditions. Algorithms developed to predict the effect of missense changes on protein structure and function (SIFT, PolyPhen-2, Align-GVGD) all suggest that this variant is likely to be tolerated. In summary, the available evidence is currently insufficient to determine the role of this variant in disease. Therefore, it has been classified as a Variant of Uncertain Significance.